The following is an entry in ClinVar:

NM_006361.6(HOXB13):c.113C>T (p.Ala38Val)

Gene: HOXB13 (homeobox B13; minus strand). Cytogenetic location: 17q21.32.
Variant type: single nucleotide variant.
Coding change: c.113C>T on transcript NM_006361.6 (MANE Select); coding-DNA position 113, C replaced by T.
Protein change: p.Ala38Val; replaces alanine 38 with valine.
Molecular consequence: missense variant.
Genome position (GRCh38, 1-based): chr17:48,728,481, G>A on the plus strand (C>T on the coding strand, the complement: HOXB13 is on the minus strand). VCF-style: chr17-48728481-G-A. GRCh37 (hg19) VCF-style: chr17-46805843-G-A.
Other names: short protein forms A38V.
Identifiers: ClinVar variation 690531 (VCV000690531.12), dbSNP rs587780160, ClinGen allele CA291350861.

ClinVar aggregate classification (germline): Uncertain significance. Review status: criteria provided, multiple submitters, no conflicts (2 of 4 stars). 3 submissions from 3 submitters: Uncertain significance (2). 1 of the submissions does not count toward it. Last evaluated 2025-07-27.

Conditions:
Prostate cancer, hereditary, 1 (HPC1). Identifiers: Orphanet 1331, MedGen C4722327, MONDO:0011098, OMIM 601518.
Hereditary cancer-predisposing syndrome. Also called: Neoplastic Syndromes, Hereditary; Tumor predisposition; Hereditary neoplastic syndrome; Hereditary Cancer Syndrome. Identifiers: Orphanet 140162, MedGen C0027672, MeSH D009386, MONDO:0015356.

Submissions (3):

Labcorp Genetics (formerly Invitae), Labcorp
Classification: Uncertain significance. Last evaluated: 2025-07-27. Review status: criteria provided, single submitter. Criteria: Invitae Variant Classification Sherloc (09022015). Collection method: clinical testing. Allele origin: germline.
Comment: This sequence change replaces alanine, which is neutral and non-polar, with valine, which is neutral and non-polar, at codon 38 of the HOXB13 protein (p.Ala38Val). This variant is not present in population databases (gnomAD no frequency). This variant has not been reported in the literature in individuals affected with HOXB13-related conditions. ClinVar contains an entry for this variant (Variation ID: 690531). An algorithm developed to predict the effect of missense changes on protein structure and function outputs the following: PolyPhen-2: "Benign". The valine amino acid residue is found in multiple mammalian species, which suggests that this missense change does not adversely affect protein function. In summary, the available evidence is currently insufficient to determine the role of this variant in disease. Therefore, it has been classified as a Variant of Uncertain Significance.

Ambry Genetics
Classification: Uncertain significance for Hereditary cancer-predisposing syndrome. Last evaluated: 2025-02-21. Review status: criteria provided, single submitter. Criteria: Ambry Variant Classification Scheme 2023. Collection method: clinical testing. Allele origin: germline.
Comment: The p.A38V variant (also known as c.113C>T), located in coding exon 1 of the HOXB13 gene, results from a C to T substitution at nucleotide position 113. The alanine at codon 38 is replaced by valine, an amino acid with similar properties. This amino acid position is well conserved in available vertebrate species. In addition, the in silico prediction for this alteration is inconclusive. Based on the available evidence, the clinical significance of this variant remains unclear.

Laboratory of Virology, Microbiology,  Quality and Medical Biotechnologies, Faculty of Sciences and Techniques - Mohammedia, Hassan II University of Casablanca
Classification: Uncertain significance for Prostate cancer, hereditary, 1. Review status: no assertion criteria provided. Collection method: clinical testing. Allele origin: somatic. Affected: yes. Not counted in ClinVar's aggregate classification.